The following is an entry in ClinVar:

NM_052947.4(ALPK2):c.3384A>C (p.Glu1128Asp)

Gene: ALPK2 (alpha kinase 2; minus strand). Cytogenetic location: 18q21.31.
Variant type: single nucleotide variant.
Coding change: c.3384A>C on transcript NM_052947.4 (MANE Select); coding-DNA position 3384, A replaced by C.
Protein change: p.Glu1128Asp; replaces glutamic acid 1128 with aspartic acid.
Molecular consequence: missense variant.
Genome position (GRCh38, 1-based): chr18:58,536,803, T>G on the plus strand (A>C on the coding strand, the complement: ALPK2 is on the minus strand). VCF-style: chr18-58536803-T-G. GRCh37 (hg19) VCF-style: chr18-56204035-T-G.
Other names: short protein forms E1128D.
Identifiers: ClinVar variation 2449297 (VCV002449297.2), dbSNP rs2518876544, ClinGen allele CA402568484.

ClinVar aggregate classification (germline): Uncertain significance (1 of 4 stars; one submission).

Submission:

Ambry Genetics
Classification: Uncertain significance. Last evaluated: 2023-02-27. Review status: criteria provided, single submitter. Criteria: Ambry Variant Classification Scheme 2023. Collection method: clinical testing. Allele origin: germline.
Comment: The p.E1128D variant (also known as c.3384A>C), located in coding exon 4 of the ALPK2 gene, results from an A to C substitution at nucleotide position 3384. The glutamic acid at codon 1128 is replaced by aspartic acid, an amino acid with highly similar properties. This amino acid position is conserved. In addition, this alteration is predicted to be tolerated by in silico analysis. Since supporting evidence is limited at this time, the clinical significance of this alteration remains unclear.